The following is an entry in ClinVar:

ClinVar aggregate classification (germline): Uncertain significance. Review status: criteria provided, multiple submitters, no conflicts (2 of 4 stars). 3 submissions from 3 submitters: Uncertain significance (3). Last evaluated 2025-04-14.

Conditions:
Joubert syndrome 9 (JBTS9). Identifiers: Orphanet 2318, MedGen C2676788, MONDO:0012849, OMIM 612285.
COACH syndrome 2. Identifiers: MedGen C5436837, MONDO:0030859, OMIM 619111.
Meckel syndrome, type 6. Identifiers: Orphanet 564, MedGen C2676790, MONDO:0012848, OMIM 612284.
Retinitis pigmentosa 93. Identifiers: MedGen C5676970, MONDO:0030797, OMIM 619845.
Joubert syndrome. Also called: JOUBERT-BOLTSHAUSER SYNDROME; Familial aplasia of the vermis. Identifiers: Orphanet 475, MedGen C5979921, MONDO:0018772.
Meckel-Gruber syndrome. Also called: DYSENCEPHALIA SPLANCHNOCYSTICA; GRUBER SYNDROME; Dysencephalia splachnocystica. Identifiers: Orphanet 564, MedGen C0265215, MONDO:0018921.
Inborn genetic diseases. Identifiers: MedGen C0950123, MeSH D030342.

Allele frequency attached by ClinVar (database versions not stated): TOPMed below 0.00001; gnomAD 0.00001; gnomAD exomes 0.00001.
gnomAD v4.1: 6 of 1,613,922 alleles (0.00037%); highest among the groups gnomAD compares: East Asian, 0.013%; no homozygotes.

Submissions (3):

Ambry Genetics
Classification: Uncertain significance for Inborn genetic diseases. Last evaluated: 2025-04-14. Review status: criteria provided, single submitter. Criteria: Ambry Variant Classification Scheme 2023. Collection method: clinical testing. Allele origin: germline.

Labcorp Genetics (formerly Invitae), Labcorp
Classification: Uncertain significance for Joubert syndrome; Meckel-Gruber syndrome. Last evaluated: 2022-01-17. Review status: criteria provided, single submitter. Criteria: Invitae Variant Classification Sherloc (09022015). Collection method: clinical testing. Allele origin: germline.
Comment: This sequence change replaces isoleucine, which is neutral and non-polar, with valine, which is neutral and non-polar, at codon 556 of the CC2D2A protein (p.Ile556Val). This variant is present in population databases (no rsID available, gnomAD 0.02%). This variant has not been reported in the literature in individuals affected with CC2D2A-related conditions. Advanced modeling of protein sequence and biophysical properties (such as structural, functional, and spatial information, amino acid conservation, physicochemical variation, residue mobility, and thermodynamic stability) performed at Invitae indicates that this missense variant is not expected to disrupt CC2D2A protein function. Algorithms developed to predict the effect of sequence changes on RNA splicing suggest that this variant may create or strengthen a splice site. In summary, the available evidence is currently insufficient to determine the role of this variant in disease. Therefore, it has been classified as a Variant of Uncertain Significance.

Juno Genomics, Hangzhou Juno Genomics, Inc
Classification: Uncertain significance for COACH syndrome 2; Joubert syndrome 9; Meckel syndrome, type 6; Retinitis pigmentosa 93. Review status: criteria provided, single submitter. Criteria: ACMG Guidelines, 2015. Collection method: clinical testing. Allele origin: germline.
Comment: Absent from controls (or at extremely low frequency if recessive) in Genome Aggregation Database.;Multiple lines of computational evidence support a deleterious effect on the gene or gene product.

NM_001378615.1(CC2D2A):c.1666A>G (p.Ile556Val)

Genes: CC2D2A (coiled-coil and C2 domain containing 2A; plus strand), FBXL5 (F-box and leucine rich repeat protein 5; minus strand). Cytogenetic location: 4p15.32.
Variant type: single nucleotide variant.
Coding change: c.1666A>G on transcript NM_001378615.1 (MANE Select); coding-DNA position 1666, A replaced by G.
Protein change: p.Ile556Val; replaces isoleucine 556 with valine.
Molecular consequence: missense variant.
Genome position (GRCh38, 1-based): chr4:15,536,978, A>G. VCF-style: chr4-15536978-A-G. GRCh37 (hg19) VCF-style: chr4-15538601-A-G.
Other names: c.1666A>G, p.Ile556Val (NM_001080522.2); c.1519A>G, p.Ile507Val (NM_001378617.1); short protein forms I507V, I556V.
Identifiers: ClinVar variation 2428184 (VCV002428184.43), dbSNP rs1428654313, ClinGen allele CA356411291.